The following is an entry in ClinVar:

ClinVar aggregate classification (germline): Uncertain significance (1 of 4 stars; one submission).

Conditions:
Hyperphosphatasia with impaired intellectual development syndrome 2. Also called: Hyperphosphatasia with intellectual disability syndrome 2; GLYCOSYLPHOSPHATIDYLINOSITOL BIOSYNTHESIS DEFECT 6. Identifiers: Orphanet 247262, MedGen C3553637, MONDO:0013882, OMIM 614749.

Allele frequency attached by ClinVar (database versions not stated): gnomAD exomes below 0.00001; gnomAD 0.00001; TOPMed below 0.00001.
gnomAD v4.1: 6 of 1,614,098 alleles (0.00037%); highest among the groups gnomAD compares: Non-Finnish European, 0.00051%; no homozygotes.

Submission:

Labcorp Genetics (formerly Invitae), Labcorp
Classification: Uncertain significance for Hyperphosphatasia with impaired intellectual development syndrome 2. Last evaluated: 2018-12-17. Review status: criteria provided, single submitter. Criteria: Invitae Variant Classification Sherloc (09022015). Collection method: clinical testing. Allele origin: germline.
Comment: In summary, the available evidence is currently insufficient to determine the role of this variant in disease. Therefore, it has been classified as a Variant of Uncertain Significance. Algorithms developed to predict the effect of missense changes on protein structure and function (SIFT, PolyPhen-2, Align-GVGD) all suggest that this variant is likely to be disruptive, but these predictions have not been confirmed by published functional studies and their clinical significance is uncertain. This variant has not been reported in the literature in individuals with PIGO-related conditions. This variant is not present in population databases (ExAC no frequency). This sequence change replaces glycine with arginine at codon 923 of the PIGO protein (p.Gly923Arg). The glycine residue is highly conserved and there is a moderate physicochemical difference between glycine and arginine.

NM_032634.4(PIGO):c.2767G>A (p.Gly923Arg)

Gene: PIGO (phosphatidylinositol glycan anchor biosynthesis class O; minus strand). Cytogenetic location: 9p13.3.
Variant type: single nucleotide variant.
Coding change: c.2767G>A on transcript NM_032634.4 (MANE Select); coding-DNA position 2767, G replaced by A.
Protein change: p.Gly923Arg; replaces glycine 923 with arginine.
Molecular consequence: missense variant.
Genome position (GRCh38, 1-based): chr9:35,090,553, C>T on the plus strand (G>A on the coding strand, the complement: PIGO is on the minus strand). VCF-style: chr9-35090553-C-T. GRCh37 (hg19) VCF-style: chr9-35090550-C-T.
Other names: c.1516G>A, p.Gly506Arg (NM_001201484.2, NM_152850.4); short protein forms G506R, G923R.
Identifiers: ClinVar variation 643245 (VCV000643245.8), dbSNP rs1285786753, ClinGen allele CA373318221.